The following is an entry in ClinVar:

NM_000059.4(BRCA2):c.9480_9481delinsAT (p.Asn3160_Lys3161delinsLysTer)

Gene: BRCA2 (BRCA2 DNA repair associated; plus strand). Cytogenetic location: 13q13.1.
Variant type: Indel.
Coding change: c.9480_9481delinsAT on transcript NM_000059.4 (MANE Select); coding-DNA positions 9480 to 9481, CA replaced by AT.
Protein change: p.Asn3160_Lys3161delinsLysTer.
Molecular consequence: nonsense. On other transcripts: non-coding transcript variant (1).
Genome position (GRCh38, 1-based): chr13:32,394,912-32,394,913, CA replaced by AT. VCF-style: chr13-32394912-CA-AT. GRCh37 (hg19) VCF-style: chr13-32969049-CA-AT.
Other names: c.9384_9385delinsAT, p.Asn3128_Lys3129delinsLysTer (NM_001406719.1); c.9429_9430delinsAT, p.Asn3143_Lys3144delinsLysTer (NM_001406720.1); c.4548_4549delinsAT, p.Asn1516_Lys1517delinsLysTer (NM_001406721.1); c.3063_3064delinsAT, p.Asn1021_Lys1022delinsLysTer (NM_001406722.1); c.9480_9481delinsAT, p.Asn3160_Lys3161delinsLysTer (NM_001432077.1).
Identifiers: ClinVar variation 4713874 (VCV004713874.1).
Genomic context (GRCh38, chr13:32,394,912, plus strand): 5'-TGGAGATTTTTCTGTGTTTTCTGCTAGTCCAAAAGAGGGCCACTTTCAAGAGACATTCAA[CA>AT]AAATGAAAAATACTGTTGAGGTAAGGTTACTTTTCAGCATCACCACACATTTTGGTATTT-3'

ClinVar aggregate classification (germline): Pathogenic (1 of 4 stars; one submission).

Conditions:
Hereditary breast ovarian cancer syndrome. Also called: BRCA1- and BRCA2-Associated Hereditary Breast and Ovarian Cancer; Breast and ovarian cancer; Hereditary breast and ovarian cancer syndrome; Hereditary breast and ovarian cancer syndrome (HBOC); Hereditary breast and/or ovarian cancer syndrome; Hereditary breast and ovarian cancer. Identifiers: Orphanet 145, MedGen C0677776, MeSH D061325, MONDO:0003582. Disease mechanism: loss of function.

Submission:

Labcorp Genetics (formerly Invitae), Labcorp
Classification: Pathogenic for Hereditary breast ovarian cancer syndrome. Last evaluated: 2025-06-29. Review status: criteria provided, single submitter. Criteria: Invitae Variant Classification Sherloc (09022015). Collection method: clinical testing. Allele origin: germline.
Comment: This sequence change creates a premature translational stop signal (p.Asn3160_Lys3161delinsLys*) in the BRCA2 gene. It is expected to result in an absent or disrupted protein product. Loss-of-function variants in BRCA2 are known to be pathogenic (PMID: 20104584). Information on the frequency of this variant in the gnomAD database is not available, as this variant may be reported differently in the database. This variant has not been reported in the literature in individuals affected with BRCA2-related conditions. For these reasons, this variant has been classified as Pathogenic.

Literature cited by the submitters: PubMed 20104584.